The following is an entry in ClinVar:

NM_020812.4(DOCK6):c.334G>A (p.Ala112Thr)

Gene: DOCK6 (dedicator of cytokinesis 6; minus strand). Cytogenetic location: 19p13.2.
Variant type: single nucleotide variant.
Coding change: c.334G>A on transcript NM_020812.4 (MANE Select); coding-DNA position 334, G replaced by A.
Protein change: p.Ala112Thr; replaces alanine 112 with threonine.
Molecular consequence: missense variant.
Genome position (GRCh38, 1-based): chr19:11,252,525, C>T on the plus strand (G>A on the coding strand, the complement: DOCK6 is on the minus strand). VCF-style: chr19-11252525-C-T. GRCh37 (hg19) VCF-style: chr19-11363201-C-T.
Other names: c.334G>A, p.Ala112Thr (NM_001367830.1); short protein forms A112T.
Identifiers: ClinVar variation 1368410 (VCV001368410.5), dbSNP rs764917650, ClinGen allele CA9208539.

ClinVar aggregate classification (germline): Uncertain significance. Review status: criteria provided, multiple submitters, no conflicts (2 of 4 stars). 2 submissions from 2 submitters: Uncertain significance (2). Last evaluated 2022-07-06.

Allele frequency attached by ClinVar (database versions not stated): ExAC 0.00001; gnomAD 0.00001; gnomAD exomes 0.00001 and 0.00002; TOPMed 0.00004.
gnomAD v4.1: 28 of 1,613,752 alleles (0.0017%); highest among the groups gnomAD compares: Non-Finnish European, 0.0022%; no homozygotes.

Submissions (2):

Labcorp Genetics (formerly Invitae), Labcorp
Classification: Uncertain significance. Last evaluated: 2022-07-06. Review status: criteria provided, single submitter. Criteria: Invitae Variant Classification Sherloc (09022015). Collection method: clinical testing. Allele origin: germline.
Comment: In summary, the available evidence is currently insufficient to determine the role of this variant in disease. Therefore, it has been classified as a Variant of Uncertain Significance. Algorithms developed to predict the effect of missense changes on protein structure and function are either unavailable or do not agree on the potential impact of this missense change (SIFT: "Tolerated"; PolyPhen-2: "Possibly Damaging"; Align-GVGD: "Class C0"). ClinVar contains an entry for this variant (Variation ID: 1368410). This variant has not been reported in the literature in individuals affected with DOCK6-related conditions. This variant is present in population databases (rs764917650, gnomAD 0.003%). This sequence change replaces alanine, which is neutral and non-polar, with threonine, which is neutral and polar, at codon 112 of the DOCK6 protein (p.Ala112Thr).

Blueprint Genetics
Classification: Uncertain significance. Last evaluated: 2021-05-19. Review status: criteria provided, single submitter. Criteria: ACMG Guidelines, 2015. Collection method: clinical testing. Allele origin: germline.